The following is an entry in ClinVar:

NM_000297.4(PKD2):c.2395C>T (p.Pro799Ser)

Gene: PKD2 (polycystin 2, transient receptor potential cation channel; plus strand). Cytogenetic location: 4q22.1.
Variant type: single nucleotide variant.
Coding change: c.2395C>T on transcript NM_000297.4 (MANE Select); coding-DNA position 2395, C replaced by T.
Protein change: p.Pro799Ser; replaces proline 799 with serine.
Molecular consequence: missense variant. On other transcripts: non-coding transcript variant (1).
Genome position (GRCh38, 1-based): chr4:88,067,934, C>T. VCF-style: chr4-88067934-C-T. GRCh37 (hg19) VCF-style: chr4-88989086-C-T.
Other names: short protein forms P799S.
Identifiers: ClinVar variation 3370883 (VCV003370883.1).

ClinVar aggregate classification (germline): Uncertain significance (1 of 4 stars; one submission).

gnomAD v4.1: 1 of 1,613,894 alleles (0.000062%); highest among the groups gnomAD compares: Non-Finnish European, 0.000085%; no homozygotes.

Submission:

GeneDx
Classification: Uncertain significance. Last evaluated: 2024-03-15. Review status: criteria provided, single submitter. Criteria: GeneDx Variant Classification Process June 2021. Collection method: clinical testing. Allele origin: germline. Affected: yes.
Comment: Not observed at significant frequency in large population cohorts (gnomAD); In silico analysis supports that this missense variant does not alter protein structure/function; Has not been previously published as pathogenic or benign to our knowledge